The following is an entry in ClinVar:

NM_001267550.2(TTN):c.105485G>A (p.Trp35162Ter)

Genes: TTN-AS1 (TTN antisense RNA 1; plus strand), TTN (titin; minus strand). Cytogenetic location: 2q31.2.
Variant type: single nucleotide variant.
Coding change: c.105485G>A on transcript NM_001267550.2 (MANE Select); coding-DNA position 105485, G replaced by A.
Protein change: p.Trp35162Ter; replaces tryptophan 35162 with a stop codon.
Molecular consequence: nonsense.
Genome position (GRCh38, 1-based): chr2:178,531,130, C>T on the plus strand (G>A on the coding strand, the complement: TTN is on the minus strand). VCF-style: chr2-178531130-C-T. GRCh37 (hg19) VCF-style: chr2-179395857-C-T.
Other names: c.100562G>A, p.Trp33521Ter (NM_001256850.1); c.78290G>A, p.Trp26097Ter (NM_003319.4); c.97781G>A, p.Trp32594Ter (NM_133378.4); c.78665G>A, p.Trp26222Ter (NM_133432.3); c.78866G>A, p.Trp26289Ter (NM_133437.4); short protein forms W33521*, W35162*, W32594*, W26097*, W26222*, W26289*.
Identifiers: ClinVar variation 284113 (VCV000284113.17), dbSNP rs886042795, ClinGen allele CA10604692.

ClinVar aggregate classification (germline): Conflicting classifications of pathogenicity. Review status: criteria provided, conflicting classifications (1 of 4 stars). 3 submissions from 3 submitters: Likely pathogenic (2); Uncertain significance (1). Last evaluated 2023-12-06.

Conditions:
Autosomal recessive limb-girdle muscular dystrophy type 2J (LGMDR10). Also called: Limb-girdle muscular dystrophy, type 2J; MUSCULAR DYSTROPHY, LIMB-GIRDLE, AUTOSOMAL RECESSIVE 10. Identifiers: Orphanet 140922, MedGen C1837342, MONDO:0012127, OMIM 608807.
Dilated cardiomyopathy 1G (CMD1G). Identifiers: Orphanet 154, MedGen C1858763, MONDO:0011400, OMIM 604145.

Submissions (3):

Labcorp Genetics (formerly Invitae), Labcorp
Classification: Likely pathogenic for Dilated cardiomyopathy 1G; Autosomal recessive limb-girdle muscular dystrophy type 2J. Last evaluated: 2023-12-06. Review status: criteria provided, single submitter. Criteria: Invitae Variant Classification Sherloc (09022015). Collection method: clinical testing. Allele origin: germline.
Comment: This sequence change creates a premature translational stop signal (p.Trp35162*) in the TTN gene. While this is not anticipated to result in nonsense mediated decay, it is expected to create a truncated TTN protein. This variant is not present in population databases (gnomAD no frequency). This variant has not been reported in the literature in individuals affected with TTN-related conditions. ClinVar contains an entry for this variant (Variation ID: 284113). This variant is located in the M band of TTN (PMID: 25589632). Truncating variants in this region have been previously reported in individuals affected with autosomal recessive myopathy and muscular dystrophy (PMID: 18948003, 23975875, 24395473). Truncating variants in this region have also been identified in individuals affected with autosomal dominant dilated cardiomyopathy and/or cardio-related conditions (PMID: 27869827, 32964742). In summary, the currently available evidence indicates that the variant is pathogenic, but additional data are needed to prove that conclusively. Therefore, this variant has been classified as Likely Pathogenic.

GeneDx
Classification: Likely pathogenic. Last evaluated: 2017-08-24. Review status: criteria provided, single submitter. Criteria: GeneDx Variant Classification (06012015). Collection method: clinical testing. Allele origin: germline. Affected: yes.
Comment: The W33521X variant in the TTN gene has not been reported as a pathogenic variant or a benign polymorphism to our knowledge. W33521X is predicted to cause loss of normal protein function either by protein truncation or nonsense-mediated mRNA decay. The W33521X variant was not observed in approximately 6,200 individuals of European and African American ancestry in the NHLBI Exome Sequencing Project, indicating it is not a common benign variant in these populations. However, other truncating variants in the TTN gene have been reported in approximately 3% of reported control alleles (Herman D et al., 2012). Furthermore, W33521X is not located in the A-band region of titin, where the majority of truncating mutations associated with dilated cardiomyopathy (DCM) have been reported (Herman et al., 2012).Therefore, based on the currently available information, we classify this variant as likely pathogenic.

Eurofins Ntd Llc (ga)
Classification: Uncertain significance. Last evaluated: 2015-11-10. Review status: criteria provided, single submitter. Criteria: EGL Classification Definitions 2015. Collection method: clinical testing. Allele origin: germline. Observed: 1 variant allele, 1 heterozygote.

Literature cited by the submitters: PubMed 25589632 (cited by Labcorp Genetics (formerly Invitae), Labcorp); PubMed 18948003 (cited by Labcorp Genetics (formerly Invitae), Labcorp); PubMed 23975875 (cited by Labcorp Genetics (formerly Invitae), Labcorp); PubMed 24395473 (cited by Labcorp Genetics (formerly Invitae), Labcorp); PubMed 27869827 (cited by Labcorp Genetics (formerly Invitae), Labcorp); PubMed 32964742 (cited by Labcorp Genetics (formerly Invitae), Labcorp).